The following is an entry in ClinVar:

NM_001079866.2(BCS1L):c.83C>T (p.Ala28Val)

Gene: BCS1L (BCS1 homolog, ubiquinol-cytochrome c reductase complex chaperone; plus strand). Cytogenetic location: 2q35.
Variant type: single nucleotide variant.
Coding change: c.83C>T on transcript NM_001079866.2 (MANE Select); coding-DNA position 83, C replaced by T.
Protein change: p.Ala28Val; replaces alanine 28 with valine.
Molecular consequence: missense variant. On other transcripts: 5 prime UTR variant (5), non-coding transcript variant (1), intron variant (3).
Genome position (GRCh38, 1-based): chr2:218,661,070, C>T. VCF-style: chr2-218661070-C-T. GRCh37 (hg19) VCF-style: chr2-219525793-C-T.
Other names: c.83C>T, p.Ala28Val (NM_001257342.2, NM_001257343.2, NM_001257344.2 and 10 more transcripts); c.-394C>T (NM_001371453.1, NM_001371454.1, NM_001371455.1 and 2 more transcripts); c.-41+322C>T (NM_001371451.1); c.-40-336C>T (NM_001318836.2); c.-41-689C>T (NM_001371452.1); short protein forms A28V.
Identifiers: ClinVar variation 1916983 (VCV001916983.2), dbSNP rs1939340325, ClinGen allele CA350625210.

ClinVar aggregate classification (germline): Uncertain significance (1 of 4 stars; one submission).

Allele frequency attached by ClinVar (database versions not stated): gnomAD exomes below 0.00001; TOPMed below 0.00001.
gnomAD v4.1: 5 of 1,614,198 alleles (0.00031%); highest among the groups gnomAD compares: Non-Finnish European, 0.00042%; no homozygotes.

Submission:

Labcorp Genetics (formerly Invitae), Labcorp
Classification: Uncertain significance. Last evaluated: 2022-08-22. Review status: criteria provided, single submitter. Criteria: Invitae Variant Classification Sherloc (09022015). Collection method: clinical testing. Allele origin: germline.
Comment: This sequence change replaces alanine, which is neutral and non-polar, with valine, which is neutral and non-polar, at codon 28 of the BCS1L protein (p.Ala28Val). This variant is not present in population databases (gnomAD no frequency). This variant has not been reported in the literature in individuals affected with BCS1L-related conditions. Advanced modeling of protein sequence and biophysical properties (such as structural, functional, and spatial information, amino acid conservation, physicochemical variation, residue mobility, and thermodynamic stability) performed at Invitae indicates that this missense variant is not expected to disrupt BCS1L protein function. In summary, the available evidence is currently insufficient to determine the role of this variant in disease. Therefore, it has been classified as a Variant of Uncertain Significance.